The following is an entry in ClinVar:

ClinVar aggregate classification (germline): Uncertain significance (0 of 4 stars; one submission).

Allele frequency attached by ClinVar (database versions not stated): gnomAD exomes below 0.00001.
gnomAD v4.1: 4 of 1,612,590 alleles (0.00025%); highest among the groups gnomAD compares: Non-Finnish European, 0.00034%; no homozygotes.

Submission:

Department of Pathology and Laboratory Medicine, Sinai Health System
Classification: Uncertain significance. Review status: no assertion criteria provided. Collection method: clinical testing. Allele origin: unknown. Affected: yes. Study: The Canadian Open Genetics Repository (COGR).
Comment: The KL p.Val124Ile variant was not identified in the literature nor was it identified in ClinVar. The variant was identified in dbSNP (ID: rs1164662984) and in control databases in 1 of 241852 chromosomes at a frequency of 0.000004135 (Genome Aggregation Database March 6, 2019, v2.1.1). The variant was observed in the European (non-Finnish) population in 1 of 107248 chromosomes (freq: 0.000009), but was not observed in the African, Latino, Ashkenazi Jewish, East Asian, European (Finnish), Other, or South Asian populations. The p.Val124 residue is conserved in mammals and computational analyses (PolyPhen-2, SIFT, AlignGVGD, BLOSUM, MutationTaster) provide inconsistent predictions regarding the impact to the protein; this information is not very predictive of pathogenicity. The variant occurs outside of the splicing consensus sequence and in silico or computational prediction software programs (SpliceSiteFinder, MaxEntScan, NNSPLICE, GeneSplicer) do not predict a difference in splicing. In summary, based on the above information the clinical significance of this variant cannot be determined with certainty at this time. This variant is classified as a variant of uncertain significance.

NM_004795.4(KL):c.370G>A (p.Val124Ile)

Gene: KL (klotho; plus strand). Cytogenetic location: 13q13.1.
Variant type: single nucleotide variant.
Coding change: c.370G>A on transcript NM_004795.4 (MANE Select); coding-DNA position 370, G replaced by A.
Protein change: p.Val124Ile; replaces valine 124 with isoleucine.
Molecular consequence: missense variant.
Genome position (GRCh38, 1-based): chr13:33,016,810, G>A. VCF-style: chr13-33016810-G-A. GRCh37 (hg19) VCF-style: chr13-33590948-G-A.
Other names: short protein forms V124I.
Identifiers: ClinVar variation 1050729 (VCV001050729.1), dbSNP rs1164662984, ClinGen allele CA387781121.